The following is an entry in ClinVar:

ClinVar aggregate classification (germline): Uncertain significance. Review status: criteria provided, multiple submitters, no conflicts (2 of 4 stars). 3 submissions from 3 submitters: Uncertain significance (3). Last evaluated 2025-01-04.

Conditions:
Cardiovascular phenotype. Identifiers: MedGen CN230736.
DK1-congenital disorder of glycosylation. Also called: DOLK-congenital disorder of glycosylation; Carbohydrate deficient glycoprotein syndrome type 1m; CONGENITAL DISORDER OF GLYCOSYLATION, TYPE Im; DK1-CDG; CDG Im; DK1 DEFICIENCY. Identifiers: Orphanet 91131, MedGen C1835849, MONDO:0012556, OMIM 610768.

Allele frequency attached by ClinVar (database versions not stated): gnomAD 0.00001 and 0.00002; TOPMed 0.00003.
gnomAD v4.1: 19 of 1,608,334 alleles (0.0012%); highest among the groups gnomAD compares: African/African-American, 0.0053%; no homozygotes.

Submissions (3):

Ambry Genetics
Classification: Uncertain significance for Cardiovascular phenotype. Last evaluated: 2025-01-04. Review status: criteria provided, single submitter. Criteria: Ambry Variant Classification Scheme 2023. Collection method: clinical testing. Allele origin: germline.
Comment: The p.I143M variant (also known as c.429C>G), located in coding exon 1 of the DOLK gene, results from a C to G substitution at nucleotide position 429. The isoleucine at codon 143 is replaced by methionine, an amino acid with highly similar properties. This amino acid position is conserved. In addition, this alteration is predicted to be tolerated by in silico analysis. Based on the available evidence, the clinical significance of this variant remains unclear.

GeneDx
Classification: Uncertain significance. Last evaluated: 2022-05-20. Review status: criteria provided, single submitter. Criteria: GeneDx Variant Classification Process June 2021. Collection method: clinical testing. Allele origin: germline. Affected: yes.
Comment: Not observed at significant frequency in large population cohorts (gnomAD); In silico analysis supports that this missense variant does not alter protein structure/function; Has not been previously published as pathogenic or benign to our knowledge

Labcorp Genetics (formerly Invitae), Labcorp
Classification: Uncertain significance for DK1-congenital disorder of glycosylation. Last evaluated: 2021-10-08. Review status: criteria provided, single submitter. Criteria: Invitae Variant Classification Sherloc (09022015). Collection method: clinical testing. Allele origin: germline.
Comment: This sequence change replaces isoleucine with methionine at codon 143 of the DOLK protein (p.Ile143Met). The isoleucine residue is moderately conserved and there is a small physicochemical difference between isoleucine and methionine. This variant is not present in population databases (ExAC no frequency). This variant has not been reported in the literature in individuals affected with DOLK-related conditions. Algorithms developed to predict the effect of missense changes on protein structure and function are either unavailable or do not agree on the potential impact of this missense change (SIFT: "Tolerated"; PolyPhen-2: "Possibly Damaging"; Align-GVGD: "Class C0"). In summary, the available evidence is currently insufficient to determine the role of this variant in disease. Therefore, it has been classified as a Variant of Uncertain Significance.

NM_014908.4(DOLK):c.429C>G (p.Ile143Met)

Gene: DOLK (dolichol kinase; minus strand). Cytogenetic location: 9q34.11.
Variant type: single nucleotide variant.
Coding change: c.429C>G on transcript NM_014908.4 (MANE Select); coding-DNA position 429, C replaced by G.
Protein change: p.Ile143Met; replaces isoleucine 143 with methionine.
Molecular consequence: missense variant.
Genome position (GRCh38, 1-based): chr9:128,946,875, G>C on the plus strand (C>G on the coding strand, the complement: DOLK is on the minus strand). VCF-style: chr9-128946875-G-C. GRCh37 (hg19) VCF-style: chr9-131709154-G-C.
Other names: short protein forms I143M.
Identifiers: ClinVar variation 572462 (VCV000572462.8), dbSNP rs1261719011, ClinGen allele CA375125643.